The following is an entry in ClinVar:

ClinVar aggregate classification (germline): Uncertain significance (1 of 4 stars; one submission).

Submission:

Laboratory for Molecular Medicine, Mass General Brigham Personalized Medicine
Classification: Uncertain significance. Last evaluated: 2018-06-28. Review status: criteria provided, single submitter. Criteria: LMM Criteria. Collection method: clinical testing. Allele origin: germline. Observed: 1 variant allele.
Comment: The p.Val881Ala variant in RIPOR2 has not been previously reported in individual s with hearing loss and was absent from large population studies. Computational prediction tools and conservation analyses do not provide strong support for or against an impact to the protein. In summary, the clinical significance of the p .Val881Ala variant is uncertain. ACMG/AMP Criteria applied: PM2.

NM_001286445.3(RIPOR2):c.2579T>C (p.Val860Ala)

Gene: RIPOR2 (RHO family interacting cell polarization regulator 2; minus strand). Cytogenetic location: 6p22.3.
Variant type: single nucleotide variant.
Coding change: c.2579T>C on transcript NM_001286445.3 (MANE Select); coding-DNA position 2579, T replaced by C.
Protein change: p.Val860Ala; replaces valine 860 with alanine.
Molecular consequence: missense variant.
Genome position (GRCh38, 1-based): chr6:24,828,223, A>G on the plus strand (T>C on the coding strand, the complement: RIPOR2 is on the minus strand). VCF-style: chr6-24828223-A-G. GRCh37 (hg19) VCF-style: chr6-24828451-A-G.
Other names: c.2492T>C, p.Val831Ala (NM_001346031.2, NM_001346032.2); c.2642T>C, p.Val881Ala (NM_014722.5); short protein forms V860A, V831A, V881A.
Identifiers: ClinVar variation 667322 (VCV000667322.4), dbSNP rs1581507142, ClinGen allele CA362988843.